The following is an entry in ClinVar:

NM_005445.4(SMC3):c.2101C>T (p.Arg701Cys)

Gene: SMC3 (structural maintenance of chromosomes 3; plus strand). Cytogenetic location: 10q25.2.
Variant type: single nucleotide variant.
Coding change: c.2101C>T on transcript NM_005445.4 (MANE Select); coding-DNA position 2101, C replaced by T.
Protein change: p.Arg701Cys; replaces arginine 701 with cysteine.
Molecular consequence: missense variant.
Genome position (GRCh38, 1-based): chr10:110,596,535, C>T. VCF-style: chr10-110596535-C-T. GRCh37 (hg19) VCF-style: chr10-112356293-C-T.
Other names: short protein forms R701C.
Identifiers: ClinVar variation 3897612 (VCV003897612.1).

ClinVar aggregate classification (germline): Likely pathogenic (1 of 4 stars; one submission).

Conditions:
Cornelia de Lange syndrome 3 (CDLS3). Also called: SMC3-Related Cornelia de Lange Syndrome; CORNELIA DE LANGE SYNDROME 3 WITH OR WITHOUT MIDLINE BRAIN DEFECTS. Identifiers: Orphanet 199, MedGen C1853099, MONDO:0012555, OMIM 610759.

gnomAD v4.1: 1 of 1,613,720 alleles (0.000062%); highest among the groups gnomAD compares: Non-Finnish European, 0.000085%; no homozygotes.

Submission:

Genetics Laboratory, UDIAT-Centre Diagnòstic, Hospital Universitari Parc Tauli
Classification: Likely pathogenic for Cornelia de Lange syndrome 3. Last evaluated: 2023-07-11. Review status: criteria provided, single submitter. Criteria: ACMG Guidelines, 2015. Collection method: clinical testing. Allele origin: unknown. Inheritance: Autosomal dominant inheritance. Affected: yes.
Comment: PS2_strong;PM2_supporting;PP3_supporting